The following is an entry in ClinVar:

ClinVar aggregate classification (germline): Benign (3 of 4 stars; one submission).

Conditions:
Breast-ovarian cancer, familial, susceptibility to, 2 (BROVCA2). Also called: BRCA2 Hereditary Breast and Ovarian Cancer. Identifiers: Orphanet 145, MedGen C2675520, MONDO:0012933, OMIM 612555. Disease mechanism: loss of function.

Allele frequency attached by ClinVar (database versions not stated): 1000 Genomes Project 0.07328; 1000 Genomes Project 30x 0.07370; TOPMed 0.03965.
gnomAD v4.1: 6,226 of 152,138 alleles (4.1%); highest among the groups gnomAD compares: South Asian, 11%; 218 homozygotes.

Submission:

Evidence-based Network for the Interpretation of Germline Mutant Alleles (ENIGMA)
Classification: Benign for Breast-ovarian cancer, familial 2. Last evaluated: 2015-01-12. Review status: reviewed by expert panel. Criteria: ENIGMA BRCA1/2 Classification Criteria (2015). Collection method: curation. Allele origin: germline.
Comment: Class 1 not pathogenic based on frequency >1% in an outbred sampleset. Frequency 0.1049 (Asian), 0.01423 (African), 0.03694 (European), derived from 1000 genomes (2012-04-30).

NM_000059.4(BRCA2):c.793+461C>A

Gene: BRCA2 (BRCA2 DNA repair associated; plus strand). Cytogenetic location: 13q13.1.
Variant type: single nucleotide variant.
Coding change: c.793+461C>A on transcript NM_000059.4 (MANE Select); 461 bases into the intron after coding-DNA position 793, C replaced by A.
Molecular consequence: intron variant.
Genome position (GRCh38, 1-based): chr13:32,331,491, C>A. VCF-style: chr13-32331491-C-A. GRCh37 (hg19) VCF-style: chr13-32905628-C-A.
Other names: IVS 9+461C>A.
Identifiers: ClinVar variation 209670 (VCV000209670.1), dbSNP rs11571638, ClinGen allele CA276639.